The following is an entry in ClinVar:

NM_000368.5(TSC1):c.-144+5G>C

Gene: TSC1 (TSC complex subunit 1; minus strand). Cytogenetic location: 9q34.13.
Variant type: single nucleotide variant.
Coding change: c.-144+5G>C on transcript NM_000368.5 (MANE Select); 5 bases into the intron after 144 bases upstream of the start codon, G replaced by C.
Molecular consequence: intron variant.
Genome position (GRCh38, 1-based): chr9:132,944,538, C>G on the plus strand (G>C on the coding strand, the complement: TSC1 is on the minus strand). VCF-style: chr9-132944538-C-G. GRCh37 (hg19) VCF-style: chr9-135819925-C-G.
Other names: c.-217+34G>C (NM_001406620.1, NM_001406618.1); c.-403+34G>C (NM_001406625.1, NM_001406621.1, NM_001406617.1); c.-144+34G>C (NM_001406613.1, NM_001406612.1, NM_001406610.1 and 6 more transcripts); c.-1021+34G>C (NM_001406627.1); c.-1163+34G>C (NM_001406629.1); c.-363+34G>C (NM_001406600.1, NM_001406595.1); c.-403+9G>C (NM_001406619.1); c.-144+9G>C (NM_001406598.1, NM_001406607.1, NM_001406593.1); and 9 more.
Identifiers: ClinVar variation 4077253 (VCV004077253.1).

ClinVar aggregate classification (germline): Uncertain significance (1 of 4 stars; one submission).

gnomAD v4.1: 7 of 398,728 alleles (0.0018%); highest among the groups gnomAD compares: African/African-American, 0.014%; no homozygotes.

Submission:

GeneDx
Classification: Uncertain significance. Last evaluated: 2025-02-28. Review status: criteria provided, single submitter. Criteria: GeneDx Variant Classification Process June 2021. Collection method: clinical testing. Allele origin: germline. Affected: yes.
Comment: In silico analysis supports a deleterious effect on splicing; Has not been previously published as pathogenic or benign to our knowledge; No data available from control populations to assess the frequency of this variant; Located in a regulatory region; in the absence of functional studies, the actual effect of this sequence change is unknown